The following is an entry in ClinVar:

ClinVar aggregate classification (germline): Likely benign (1 of 4 stars; one submission).

Conditions:
CREBBP-related disorder. Also called: CREBBP-related disorders; CREBBP-related condition.

Submission:

PreventionGenetics, part of Exact Sciences
Classification: Likely benign for CREBBP-related condition. Last evaluated: 2026-06-16. Review status: criteria provided, single submitter. Criteria: ACMG Guidelines, 2015. Collection method: clinical testing. Allele origin: germline.
Comment: This variant is classified as likely benign based on ACMG/AMP sequence variant interpretation guidelines (Richards et al. 2015 PMID: 25741868, with internal and published modifications).

NM_004380.3(CREBBP):c.2247C>T (p.His749=)

Gene: CREBBP (CREB binding lysine acetyltransferase; minus strand). Cytogenetic location: 16p13.3.
Variant type: single nucleotide variant.
Coding change: c.2247C>T on transcript NM_004380.3 (MANE Select); coding-DNA position 2247, C replaced by T.
Protein change: p.His749=; no amino-acid change (histidine 749 retained).
Molecular consequence: synonymous variant.
Genome position (GRCh38, 1-based): chr16:3,774,605, G>A on the plus strand (C>T on the coding strand, the complement: CREBBP is on the minus strand). VCF-style: chr16-3774605-G-A. GRCh37 (hg19) VCF-style: chr16-3824606-G-A.
Other names: c.2133C>T, p.His711= (NM_001079846.1).
Identifiers: ClinVar variation 4994744 (VCV004994744.1).